The following is an entry in ClinVar:

ClinVar aggregate classification (germline): Uncertain significance. Review status: criteria provided, multiple submitters, no conflicts (2 of 4 stars). 2 submissions from 2 submitters: Uncertain significance (2). Last evaluated 2025-11-17.

Conditions:
Hereditary breast ovarian cancer syndrome. Also called: Breast and ovarian cancer; Hereditary breast and ovarian cancer syndrome (HBOC); Hereditary breast and ovarian cancer; Hereditary breast and/or ovarian cancer syndrome; BRCA1- and BRCA2-Associated Hereditary Breast and Ovarian Cancer; Hereditary breast and ovarian cancer syndrome. Identifiers: Orphanet 145, MedGen C0677776, MeSH D061325, MONDO:0003582. Disease mechanism: loss of function.
Hereditary cancer-predisposing syndrome. Also called: Hereditary Cancer Syndrome; Neoplastic Syndromes, Hereditary; Tumor predisposition; Hereditary neoplastic syndrome. Identifiers: Orphanet 140162, MedGen C0027672, MeSH D009386, MONDO:0015356.

Allele frequency attached by ClinVar (database versions not stated): TOPMed 0.00001.

Submissions (2):

Labcorp Genetics (formerly Invitae), Labcorp
Classification: Uncertain significance for Hereditary breast ovarian cancer syndrome. Last evaluated: 2025-11-17. Review status: criteria provided, single submitter. Criteria: Invitae Variant Classification Sherloc (09022015). Collection method: clinical testing. Allele origin: germline.
Comment: This sequence change replaces valine, which is neutral and non-polar, with leucine, which is neutral and non-polar, at codon 1493 of the BRCA1 protein (p.Val1493Leu). This variant is not present in population databases (gnomAD no frequency). This variant has not been reported in the literature in individuals affected with BRCA1-related conditions. ClinVar contains an entry for this variant (Variation ID: 1024428). Invitae Evidence Modeling of protein sequence and biophysical properties (such as structural, functional, and spatial information, amino acid conservation, physicochemical variation, residue mobility, and thermodynamic stability) indicates that this missense variant is not expected to disrupt BRCA1 protein function with a negative predictive value of 95%. In summary, the available evidence is currently insufficient to determine the role of this variant in disease. Therefore, it has been classified as a Variant of Uncertain Significance.

Ambry Genetics
Classification: Uncertain significance for Hereditary cancer-predisposing syndrome. Last evaluated: 2023-09-23. Review status: criteria provided, single submitter. Criteria: Ambry Variant Classification Scheme 2023. Collection method: clinical testing. Allele origin: germline.
Comment: The p.V1493L variant (also known as c.4477G>T), located in coding exon 12 of the BRCA1 gene, results from a G to T substitution at nucleotide position 4477. The valine at codon 1493 is replaced by leucine, an amino acid with highly similar properties. In a computational study utilizing fifteen mutation effect prediction algorithms, this alteration was classified as uncertain (Martelotto LG et al. Genome Biol., 2014 Oct;15:484). This amino acid position is poorly conserved in available vertebrate species. In addition, this alteration is predicted to be tolerated by in silico analysis. Since supporting evidence is limited at this time, the clinical significance of this alteration remains unclear.

Literature cited by the submitters: PubMed 25348012 (cited by Ambry Genetics).

NM_007294.4(BRCA1):c.4477G>T (p.Val1493Leu)

Gene: BRCA1 (BRCA1 DNA repair associated; minus strand). Cytogenetic location: 17q21.31.
Variant type: single nucleotide variant.
Coding change: c.4477G>T on transcript NM_007294.4 (MANE Select); coding-DNA position 4477, G replaced by T.
Protein change: p.Val1493Leu; replaces valine 1493 with leucine.
Molecular consequence: missense variant. On other transcripts: non-coding transcript variant (1).
Genome position (GRCh38, 1-based): chr17:43,076,495, C>A on the plus strand (G>T on the coding strand, the complement: BRCA1 is on the minus strand). VCF-style: chr17-43076495-C-A. GRCh37 (hg19) VCF-style: chr17-41228512-C-A.
Other names: c.4264G>T, p.Val1422Leu (NM_001407571.1, NM_001407894.1, NM_001407895.1 and 12 more transcripts); c.4543G>T, p.Val1515Leu (NM_001407581.1, NM_001407582.1); c.4540G>T, p.Val1514Leu (NM_001407583.1, NM_001407585.1, NM_001407587.1 and 1 more transcripts); c.4537G>T, p.Val1513Leu (NM_001407590.1, NM_001407591.1); c.4477G>T, p.Val1493Leu (NM_001407593.1, NM_001407594.1, NM_001407596.1 and 8 more transcripts); c.4474G>T, p.Val1492Leu (NM_001407610.1, NM_001407611.1, NM_001407612.1 and 17 more transcripts); c.4471G>T, p.Val1491Leu (NM_001407627.1, NM_001407628.1, NM_001407629.1 and 14 more transcripts); c.4468G>T, p.Val1490Leu (NM_001407644.1, NM_001407645.1); and 68 more; short protein forms V1446L, V1493L, V1514L, V389L, V1364L, V1366L, V1422L, V1424L.
Identifiers: ClinVar variation 1024428 (VCV001024428.12), dbSNP rs949577051, ClinGen allele CA10592577.